The following is an entry in ClinVar:

NM_015910.7(WDPCP):c.2173G>A (p.Glu725Lys)

Gene: WDPCP (WD repeat containing planar cell polarity effector; minus strand). Cytogenetic location: 2p15.
Variant type: single nucleotide variant.
Coding change: c.2173G>A on transcript NM_015910.7 (MANE Select); coding-DNA position 2173, G replaced by A.
Protein change: p.Glu725Lys; replaces glutamic acid 725 with lysine.
Molecular consequence: missense variant. On other transcripts: non-coding transcript variant (3).
Genome position (GRCh38, 1-based): chr2:63,152,931, C>T on the plus strand (G>A on the coding strand, the complement: WDPCP is on the minus strand). VCF-style: chr2-63152931-C-T. GRCh37 (hg19) VCF-style: chr2-63380066-C-T.
Other names: c.1696G>A, p.Glu566Lys (NM_001042692.3); c.2101G>A, p.Glu701Lys (NM_001354044.2); short protein forms E566K, E701K, E725K.
Identifiers: ClinVar variation 1402688 (VCV001402688.3), dbSNP rs1370629959, ClinGen allele CA347060636.

ClinVar aggregate classification (germline): Uncertain significance (1 of 4 stars; one submission).

Conditions:
Bardet-Biedl syndrome (BBS). Identifiers: Orphanet 110, MedGen C0752166, MONDO:0015229.

Allele frequency attached by ClinVar (database versions not stated): gnomAD exomes below 0.00001; gnomAD 0.00001.
gnomAD v4.1: 2 of 1,612,426 alleles (0.00012%); highest among the groups gnomAD compares: Middle Eastern, 0.016%; no homozygotes.

Submission:

Labcorp Genetics (formerly Invitae), Labcorp
Classification: Uncertain significance for Bardet-Biedl syndrome. Last evaluated: 2022-08-09. Review status: criteria provided, single submitter. Criteria: Invitae Variant Classification Sherloc (09022015). Collection method: clinical testing. Allele origin: germline.
Comment: This sequence change replaces glutamic acid, which is acidic and polar, with lysine, which is basic and polar, at codon 725 of the WDPCP protein (p.Glu725Lys). This variant is present in population databases (no rsID available, gnomAD 0.06%). This variant has not been reported in the literature in individuals affected with WDPCP-related conditions. ClinVar contains an entry for this variant (Variation ID: 1402688). Algorithms developed to predict the effect of missense changes on protein structure and function (SIFT, PolyPhen-2, Align-GVGD) all suggest that this variant is likely to be tolerated. In summary, the available evidence is currently insufficient to determine the role of this variant in disease. Therefore, it has been classified as a Variant of Uncertain Significance.